The following is an entry in ClinVar:

NM_001563.4(IMPG1):c.1812A>G (p.Gln604=)

Gene: IMPG1 (interphotoreceptor matrix proteoglycan 1; minus strand). Cytogenetic location: 6q14.1.
Variant type: single nucleotide variant.
Coding change: c.1812A>G on transcript NM_001563.4 (MANE Select); coding-DNA position 1812, A replaced by G.
Protein change: p.Gln604=; no amino-acid change (glutamine 604 retained).
Molecular consequence: synonymous variant.
Genome position (GRCh38, 1-based): chr6:75,950,574, T>C on the plus strand (A>G on the coding strand, the complement: IMPG1 is on the minus strand). VCF-style: chr6-75950574-T-C. GRCh37 (hg19) VCF-style: chr6-76660291-T-C.
Other names: c.1578A>G, p.Gln526= (NM_001282368.2); c.1812A>G (NM_001563.3).
Identifiers: ClinVar variation 1082528 (VCV001082528.11), dbSNP rs745383765, ClinGen allele CA3898052.
Genomic context (GRCh38, chr6:75,950,574, plus strand): 5'-AAGAAAGAAGAGACAAAGAATTGGGAATTGTGAGCAGTGCCCACTCACCAGCTGTGTGAA[T>C]TGTTGCTCCAGAGCTCGGTACTCCAGAGAGCTCTTGTTGAACAGGTCGTTGGAGAAGGCC-3'
Protein context (NP_001554.2, residues 594-614): SSLEYRALEQ[Gln604=]FTQLLVPYLR

ClinVar aggregate classification (germline): Likely benign. Review status: criteria provided, multiple submitters, no conflicts (2 of 4 stars). 3 submissions from 3 submitters: Likely benign (3). Last evaluated 2025-07-13.

Conditions:
IMPG1-related disorder. Also called: IMPG1-related condition.

Allele frequency attached by ClinVar (database versions not stated): gnomAD exomes below 0.00001 and 0.00002; ExAC 0.00002; TOPMed 0.00003; gnomAD 0.00005 and 0.00006.
gnomAD v4.1: 10 of 1,607,842 alleles (0.00062%); highest among the groups gnomAD compares: African/African-American, 0.012%; no homozygotes.

Submissions (3):

PreventionGenetics, part of Exact Sciences
Classification: Likely benign for IMPG1-related condition. Last evaluated: 2025-07-13. Review status: criteria provided, single submitter. Criteria: ACMG Guidelines, 2015. Collection method: clinical testing. Allele origin: germline.
Comment: This variant is classified as likely benign based on ACMG/AMP sequence variant interpretation guidelines (Richards et al. 2015 PMID: 25741868, with internal and published modifications).

Blueprint Genetics
Classification: Likely benign. Last evaluated: 2022-09-08. Review status: criteria provided, single submitter. Criteria: ACMG Guidelines, 2015. Collection method: clinical testing. Allele origin: germline.

Labcorp Genetics (formerly Invitae), Labcorp
Classification: Likely benign. Last evaluated: 2022-03-10. Review status: criteria provided, single submitter. Criteria: Invitae Variant Classification Sherloc (09022015). Collection method: clinical testing. Allele origin: germline.